The following is an entry in ClinVar:

NM_012318.3(LETM1):c.1476+6C>T

Gene: LETM1 (leucine zipper and EF-hand containing transmembrane protein 1; minus strand). Cytogenetic location: 4p16.3.
Variant type: single nucleotide variant.
Coding change: c.1476+6C>T on transcript NM_012318.3 (MANE Select); 6 bases into the intron after coding-DNA position 1476, C replaced by T.
Molecular consequence: intron variant.
Genome position (GRCh38, 1-based): chr4:1,822,982, G>A on the plus strand (C>T on the coding strand, the complement: LETM1 is on the minus strand). VCF-style: chr4-1822982-G-A. GRCh37 (hg19) VCF-style: chr4-1824709-G-A.
Identifiers: ClinVar variation 1435047 (VCV001435047.4), dbSNP rs371412770, ClinGen allele CA2811270.

ClinVar aggregate classification (germline): Uncertain significance (1 of 4 stars; one submission).

Allele frequency attached by ClinVar (database versions not stated): gnomAD exomes 0.00004; TOPMed 0.00005; ExAC 0.00007; ESP Exome Variant Server 0.00023.
gnomAD v4.1: 50 of 1,553,820 alleles (0.0032%); highest among the groups gnomAD compares: African/African-American, 0.011%; no homozygotes.

Submission:

Labcorp Genetics (formerly Invitae), Labcorp
Classification: Uncertain significance. Last evaluated: 2022-08-09. Review status: criteria provided, single submitter. Criteria: Invitae Variant Classification Sherloc (09022015). Collection method: clinical testing. Allele origin: germline.
Comment: This sequence change falls in intron 9 of the LETM1 gene. It does not directly change the encoded amino acid sequence of the LETM1 protein. It affects a nucleotide within the consensus splice site. This variant is present in population databases (rs371412770, gnomAD 0.01%). This variant has not been reported in the literature in individuals affected with LETM1-related conditions. ClinVar contains an entry for this variant (Variation ID: 1435047). Variants that disrupt the consensus splice site are a relatively common cause of aberrant splicing (PMID: 17576681, 9536098). Algorithms developed to predict the effect of sequence changes on RNA splicing suggest that this variant is not likely to affect RNA splicing. In summary, the available evidence is currently insufficient to determine the role of this variant in disease. Therefore, it has been classified as a Variant of Uncertain Significance.

Literature cited by the submitters: PubMed 17576681; PubMed 9536098.